The following is an entry in ClinVar:

ClinVar aggregate classification (germline): Pathogenic (1 of 4 stars; one submission).

Conditions:
Neurofibromatosis, type 2 (SWNV). Also called: BILATERAL ACOUSTIC NEUROFIBROMATOSIS; SCHWANNOMATOSIS, VESTIBULAR; NF2-Related Schwannomatosis. Identifiers: Orphanet 637, MedGen C0027832, MONDO:0007039, OMIM 101000. Disease mechanism: loss of function.

Submission:

Labcorp Genetics (formerly Invitae), Labcorp
Classification: Pathogenic for Neurofibromatosis, type 2. Last evaluated: 2021-06-20. Review status: criteria provided, single submitter. Criteria: Invitae Variant Classification Sherloc (09022015). Collection method: clinical testing. Allele origin: germline.
Comment: This variant is not present in population databases (ExAC no frequency). Disruption of this splice site has been observed in individual(s) with neurofibromatosis type 2 (PMID: 9605590, Invitae). Algorithms developed to predict the effect of sequence changes on RNA splicing suggest that this variant may disrupt the consensus splice site, but this prediction has not been confirmed by published transcriptional studies. For these reasons, this variant has been classified as Pathogenic. This sequence change affects a donor splice site in intron 3 of the NF2 gene. It is expected to disrupt RNA splicing. Variants that disrupt the donor or acceptor splice site typically lead to a loss of protein function (PMID: 16199547), and loss-of-function variants in NF2 are known to be pathogenic (PMID: 9643284, 16983642).

Literature cited by the submitters: PubMed 9605590; PubMed 16199547; PubMed 9643284; PubMed 16983642.

NM_000268.4(NF2):c.363+1G>T

Gene: NF2 (NF2, moesin-ezrin-radixin like (MERLIN) tumor suppressor; plus strand). Cytogenetic location: 22q12.2.
Variant type: single nucleotide variant.
Coding change: c.363+1G>T on transcript NM_000268.4 (MANE Select); the canonical splice donor site of the intron after coding-DNA position 363, G replaced by T.
Molecular consequence: splice donor variant. On other transcripts: intron variant (8).
Genome position (GRCh38, 1-based): chr22:29,639,213, G>T. VCF-style: chr22-29639213-G-T. GRCh37 (hg19) VCF-style: chr22-30035202-G-T.
Other names: c.363+1G>T (NM_016418.5, NM_181832.3, NM_001407060.1 and 5 more transcripts); c.249+1G>T (NM_001407056.1, NM_001407053.1); c.132+1G>T (NM_001407067.1); c.-278+1G>T (NM_001407065.1); c.240+2337G>T (NM_001407058.1, NM_181829.3, NM_001407054.1 and 1 more transcripts); c.237+1G>T (NM_181828.3, NM_001407055.1); c.115-2989G>T (NM_001407063.1, NM_181830.3, NM_001407064.1 and 1 more transcripts).
Identifiers: ClinVar variation 1430714 (VCV001430714.8), dbSNP rs1601583839, ClinGen allele CA411153405.
Genomic context (GRCh38, chr22:29,639,213, plus strand): 5'-CCTGAGAATGCTGAAGAGGAGCTGGTTCAGGAGATCACACAACATTTATTCTTCTTACAG[G>T]TACATCAGTCAAGGCTACCCCCCAGTTCTGAGAGAACTTGCCCAGGAGTGGTTGCAGAGT-3'